The following is an entry in ClinVar:

ClinVar aggregate classification (germline): Conflicting classifications of pathogenicity. Review status: criteria provided, conflicting classifications (1 of 4 stars). 10 submissions from 10 submitters: Uncertain significance (7); Benign (1). 2 of the submissions do not count toward it. Last evaluated 2025-07-21.

Conditions:
HYPERHOMOCYSTEINEMIA, THROMBOTIC, CBS-RELATED. Identifiers: MedGen C3150344, OMIM 236200.
CBS-related disorder. Also called: CBS-related condition.
Classic homocystinuria. Also called: HOMOCYSTINURIA WITH OR WITHOUT RESPONSE TO PYRIDOXINE; Homocystinuria due to Cystathionine Beta-Synthase Deficiency; Homocystinuria due to CBS deficiency; Cystathionine beta-synthase deficiency; CBS deficiency. Identifiers: Orphanet 394, MedGen C0751202, MONDO:0009352, OMIM 236200.
Familial thoracic aortic aneurysm and aortic dissection (TAAD). Also called: Thoracic aortic aneurysms and dissections. Identifiers: Orphanet 91387, MedGen C4707243, MONDO:0019625.

Allele frequency attached by ClinVar (database versions not stated): gnomAD exomes 0.00002; gnomAD 0.00003; ExAC 0.00008.

Submissions (10):

GeneDx
Classification: Uncertain significance. Last evaluated: 2025-07-21. Review status: criteria provided, single submitter. Criteria: GeneDx Variant Classification Process June 2021. Collection method: clinical testing. Allele origin: germline. Affected: yes.
Comment: Not observed at significant frequency in large population cohorts (gnomAD); In silico analysis suggests that this missense variant does not alter protein structure/function; This variant is associated with the following publications: (PMID: 22267502, 20490928, 22069143, 25331909, 22612060, 20506325, 9156316, 12124992, 19429038, 10462600)

Ambry Genetics
Classification: Uncertain significance for Familial thoracic aortic aneurysm and aortic dissection. Last evaluated: 2025-07-02. Review status: criteria provided, single submitter. Criteria: Ambry Variant Classification Scheme 2023. Collection method: clinical testing. Allele origin: germline.
Comment: The p.R439Q variant (also known as c.1316G>A), located in coding exon 12 of the CBS gene, results from a G to A substitution at nucleotide position 1316. The arginine at codon 439 is replaced by glutamine, an amino acid with highly similar properties. This alteration was identified in cis with an additional alteration in CBS in individuals with homocystinuria (Dawson PA et al. Eur J Hum Genet, 1997;5:15-21; Tsai MY et al. Mol Diagn, 1997 Jun;2:129-133; Gaustadnes M et al. Hum Mutat, 2002 Aug;20:117-26). In vitro assays showed this alteration may not impact protein function (Dawson PA et al. Eur J Hum Genet, 1997;5:15-21; Mayfield JA et al. Genetics, 2012 Apr;190:1309-23). This amino acid position is not well conserved in available vertebrate species. In addition, the in silico prediction for this alteration is inconclusive. Since supporting evidence is limited at this time, the clinical significance of this alteration remains unclear.

PreventionGenetics, part of Exact Sciences
Classification: Uncertain significance for CBS-related condition. Last evaluated: 2024-11-21. Review status: criteria provided, single submitter. Criteria: ACMG Guidelines, 2015. Collection method: clinical testing. Allele origin: germline.
Comment: The CBS c.1316G>A variant is predicted to result in the amino acid substitution p.Arg439Gln. This variant has been reported in an individual with cystathionine beta-synthase deficiency (Dawson et al. 1997. PubMed ID: 9156316). However, this variant was also found to be in cis with a causative variant p.Glu144Lys in multiple affected individuals (Tsai et al. 1997. PubMed ID: 10462600; Gaustadnes et al. 2002. PubMed ID: 12124992). Functional studies are inconclusive with one early study suggesting this variant reduces enzyme activity to ~30% of wildtype (Dawson et al. 1997. PubMed ID: 9156316) and others suggesting similar activity to wildtype (Hnízda et al. 2011. PubMed ID: 22069143; Mayfield et al. 2012. PubMed ID: 22267502; Melenovská et al. 2014. PubMed ID: 25331909). This variant is reported in 0.0053% of alleles in individuals of African descent in gnomAD. This variant has conflicting classifications listed in ClinVar ranging from benign to uncertain (ClinVar ID: 189088). Although we suspect that this variant may be benign, at this time, the clinical significance of this variant is uncertain due to the absence of conclusive functional and genetic evidence.

Blueprint Genetics
Classification: Uncertain significance. Last evaluated: 2024-03-26. Review status: criteria provided, single submitter. Criteria: ACMG Guidelines, 2015. Collection method: clinical testing. Allele origin: germline.

Women's Health and Genetics/Laboratory Corporation of America, LabCorp
Classification: Uncertain significance. Last evaluated: 2023-02-01. Review status: criteria provided, single submitter. Criteria: LabCorp Variant Classification Summary - May 2015. Collection method: clinical testing. Allele origin: germline.
Comment: Variant summary: CBS c.1316G>A (p.Arg439Gln) results in a conservative amino acid change located in the CBS domain (IPR000644) of the encoded protein sequence. Three of five in-silico tools predict a benign effect of the variant on protein function. The variant allele was found at a frequency of 2.3e-05 in 171116 control chromosomes (gnomAD). The variant, c.1316G>A, has been reported in the literature in at least three individuals affected with Homocystinuria (Tsai_1997, Dawson_1997, Gaustadnes_2002), however two of these patients also carried a pathogenic variant (c.430G>A (p.Glu144Lys)) in cis. Multiple publications reported experimental evidence evaluating an impact on protein function, and although in an early study the variant was found to result in a moderately reduced enzyme activity (~30% of WT) in a bacterial expression system (Dawson_1997)), later studies found activities similar to wild type in bacterial-, yeast- and mammalian systems (Mayfield_2012, Kopecka_2011, Hnizda_2012, Melenovska_2015). Four other clinical diagnostic laboratories have submitted clinical-significance assessments for this variant to ClinVar after 2014, mostly without evidence for independent evaluation, and classified the variant as VUS (n=3) or benign (n=1). Based on the evidence outlined above, the variant was classified as uncertain significance.

Labcorp Genetics (formerly Invitae), Labcorp
Classification: Uncertain significance for HYPERHOMOCYSTEINEMIA, THROMBOTIC, CBS-RELATED. Last evaluated: 2022-09-26. Review status: criteria provided, single submitter. Criteria: Invitae Variant Classification Sherloc (09022015). Collection method: clinical testing. Allele origin: germline.
Comment: This sequence change replaces arginine, which is basic and polar, with glutamine, which is neutral and polar, at codon 439 of the CBS protein (p.Arg439Gln). The frequency data for this variant in the population databases is considered unreliable, as metrics indicate poor data quality at this position in the gnomAD database. This missense change has been observed in individual(s) with homocystinuria, co-occuring in cis with another likely pathogenic variant (p.Glu144Lys). This variant also co-occurs in trans with other pathogenic variants in individuals with homocystinuria (PMID: 9156316, 10462600, 12124992). In at least one individual the data is consistent with being in trans (on the opposite chromosome) from a pathogenic variant. ClinVar contains an entry for this variant (Variation ID: 189088). Algorithms developed to predict the effect of missense changes on protein structure and function (SIFT, PolyPhen-2, Align-GVGD) all suggest that this variant is likely to be tolerated. Experimental studies have shown that this missense change does not substantially affect CBS function (PMID: 9156316, 20490928, 20506325, 22069143, 22267502). In summary, the available evidence is currently insufficient to determine the role of this variant in disease. Therefore, it has been classified as a Variant of Uncertain Significance.

Mendelics
Classification: Benign for Classic homocystinuria. Last evaluated: 2019-05-28. Review status: criteria provided, single submitter. Criteria: Mendelics Assertion Criteria 2017. Collection method: clinical testing. Allele origin: unknown.

Eurofins Ntd Llc (ga)
Classification: Uncertain significance. Last evaluated: 2015-11-19. Review status: criteria provided, single submitter. Criteria: EGL Classification Definitions 2015. Collection method: clinical testing. Allele origin: germline. Observed: 2 variant alleles, 2 heterozygotes.

Natera, Inc.
Classification: Uncertain significance for Homocystinuria due to cystathionine beta-synthase deficiency. Last evaluated: 2020-09-16. Review status: no assertion criteria provided. Collection method: clinical testing. Allele origin: germline. Not counted in ClinVar's aggregate classification.

Counsyl
Classification: Likely benign for Homocystinuria due to CBS deficiency. Last evaluated: 2014-12-16. Review status: no assertion criteria provided. Collection method: literature only. Allele origin: unknown. Inheritance: Autosomal recessive inheritance. Not counted in ClinVar's aggregate classification.

Literature cited by the submitters: PubMed 10462600 (cited by 3 submitters); PubMed 12124992 (cited by 4 submitters); PubMed 22267502 (cited by 4 submitters); PubMed 9156316 (cited by 4 submitters); PubMed 22612060 (cited by Women's Health and Genetics/Laboratory Corporation of America, LabCorp); PubMed 20490928 (cited by 3 submitters); PubMed 19429038 (cited by Women's Health and Genetics/Laboratory Corporation of America, LabCorp); PubMed 25331909 (cited by Women's Health and Genetics/Laboratory Corporation of America, LabCorp); PubMed 20506325 (cited by Labcorp Genetics (formerly Invitae), Labcorp and Counsyl); PubMed 22069143 (cited by Labcorp Genetics (formerly Invitae), Labcorp and Counsyl).

NM_000071.3(CBS):c.1316G>A (p.Arg439Gln)

Gene: CBS (cystathionine beta-synthase; minus strand). Cytogenetic location: 21q22.3.
Variant type: single nucleotide variant.
Coding change: c.1316G>A on transcript NM_000071.3 (MANE Select); coding-DNA position 1316, G replaced by A.
Protein change: p.Arg439Gln; replaces arginine 439 with glutamine.
Molecular consequence: missense variant.
Genome position (GRCh38, 1-based): chr21:43,058,876, C>T on the plus strand (G>A on the coding strand, the complement: CBS is on the minus strand). VCF-style: chr21-43058876-C-T. GRCh37 (hg19) VCF-style: chr21-44478986-C-T.
Other names: c.1316G>A, p.Arg439Gln (NM_001178008.3, NM_001178009.3, NM_001320298.2); c.1001G>A, p.Arg334Gln (NM_001321072.1); short protein forms R439Q, R334Q.
Identifiers: ClinVar variation 189088 (VCV000189088.17), dbSNP rs756467921, ClinGen allele CA274364.